The following is an entry in ClinVar:

NM_001077365.2(POMT1):c.2059G>A (p.Ala687Thr)

Gene: POMT1 (protein O-mannosyltransferase 1; plus strand). Cytogenetic location: 9q34.13.
Variant type: single nucleotide variant.
Coding change: c.2059G>A on transcript NM_001077365.2 (MANE Select); coding-DNA position 2059, G replaced by A.
Protein change: p.Ala687Thr; replaces alanine 687 with threonine.
Molecular consequence: missense variant. On other transcripts: non-coding transcript variant (10).
Genome position (GRCh38, 1-based): chr9:131,522,987, G>A. VCF-style: chr9-131522987-G-A. GRCh37 (hg19) VCF-style: chr9-134398374-G-A.
Other names: c.1897G>A, p.Ala633Thr (NM_001077366.2, NM_001353194.2); c.2059G>A, p.Ala687Thr (NM_001136113.2); c.1708G>A, p.Ala570Thr (NM_001136114.2, NM_001353195.2, NM_001374691.1 and 2 more transcripts); c.2125G>A, p.Ala709Thr (NM_001353193.2, NM_007171.4); c.1969G>A, p.Ala657Thr (NM_001353196.2); c.1963G>A, p.Ala655Thr (NM_001353197.2, NM_001353198.2); c.1774G>A, p.Ala592Thr (NM_001353199.2); c.1603G>A, p.Ala535Thr (NM_001353200.2); and 3 more; short protein forms A709T, A570T, A657T, A687T, A535T, A592T, A633T, A655T.
Identifiers: ClinVar variation 211945 (VCV000211945.14), dbSNP rs535544133, ClinGen allele CA209582.

ClinVar aggregate classification (germline): Uncertain significance. Review status: criteria provided, multiple submitters, no conflicts (2 of 4 stars). 6 submissions from 6 submitters: Uncertain significance (6). Last evaluated 2023-02-22.

Conditions:
Autosomal recessive limb-girdle muscular dystrophy type 2K. Also called: MUSCULAR DYSTROPHY-DYSTROGLYCANOPATHY (LIMB-GIRDLE), TYPE C, 1; MUSCULAR DYSTROPHY, LIMB-GIRDLE, TYPE 2K. Identifiers: Orphanet 86812, MedGen C1836373, MONDO:0012248, OMIM 609308.
Muscular dystrophy-dystroglycanopathy (congenital with impaired intellectual development), type B, 1. Also called: Muscular dystrophy-dystroglycanopathy (congenital with intellectual disability), type B1; MUSCULAR DYSTROPHY, CONGENITAL, POMT1-RELATED. Identifiers: MedGen C5436962, MONDO:0013159, OMIM 613155.
Walker-Warburg congenital muscular dystrophy. Also called: Muscular dystrophy-dystroglycanopathy, type A; Walker-Warburg syndrome. Identifiers: Orphanet 899, MedGen C0265221, MONDO:0000171.
Inborn genetic diseases. Identifiers: MedGen C0950123, MeSH D030342.
Muscular dystrophy-dystroglycanopathy (congenital with brain and eye anomalies), type A1 (MDDGA1). Also called: WALKER-WARBURG SYNDROME OR MUSCLE-EYE-BRAIN DISEASE, POMT1-RELATED; Hydrocephalus, agyria and retinal dysplasia; Hard +/- E syndrome; Warburg syndrome; Chemke syndrome; Pagon syndrome. Identifiers: Orphanet 588, Orphanet 899, MedGen C4284790, MONDO:0009364, OMIM 236670.

Allele frequency attached by ClinVar (database versions not stated): gnomAD 0.00006 and 0.00007; gnomAD exomes 0.00006; TOPMed 0.00009; ExAC 0.00010; 1000 Genomes Project 30x 0.00016; 1000 Genomes Project 0.00020.
gnomAD v4.1: 41 of 1,606,136 alleles (0.0026%); highest among the groups gnomAD compares: Middle Eastern, 0.022%; no homozygotes.

Submissions (6):

Blueprint Genetics
Classification: Uncertain significance. Last evaluated: 2023-02-22. Review status: criteria provided, single submitter. Criteria: ACMG Guidelines, 2015. Collection method: clinical testing. Allele origin: germline.

GeneDx
Classification: Uncertain significance. Last evaluated: 2023-02-14. Review status: criteria provided, single submitter. Criteria: GeneDx Variant Classification Process June 2021. Collection method: clinical testing. Allele origin: germline. Affected: yes.
Comment: In silico analysis supports that this missense variant does not alter protein structure/function; Has not been previously published as pathogenic or benign to our knowledge; This variant is associated with the following publications: (PMID: 22549409)

Labcorp Genetics (formerly Invitae), Labcorp
Classification: Uncertain significance for Muscular dystrophy-dystroglycanopathy (congenital with impaired intellectual development), type B, 1; Walker-Warburg congenital muscular dystrophy; Autosomal recessive limb-girdle muscular dystrophy type 2K. Last evaluated: 2022-10-18. Review status: criteria provided, single submitter. Criteria: Invitae Variant Classification Sherloc (09022015). Collection method: clinical testing. Allele origin: germline.
Comment: This sequence change replaces alanine, which is neutral and non-polar, with threonine, which is neutral and polar, at codon 709 of the POMT1 protein (p.Ala709Thr). This variant is present in population databases (rs535544133, gnomAD 0.04%). This variant has not been reported in the literature in individuals affected with POMT1-related conditions. ClinVar contains an entry for this variant (Variation ID: 211945). Advanced modeling of protein sequence and biophysical properties (such as structural, functional, and spatial information, amino acid conservation, physicochemical variation, residue mobility, and thermodynamic stability) performed at Invitae indicates that this missense variant is not expected to disrupt POMT1 protein function. In summary, the available evidence is currently insufficient to determine the role of this variant in disease. Therefore, it has been classified as a Variant of Uncertain Significance.

Ambry Genetics
Classification: Uncertain significance for Inborn genetic diseases. Last evaluated: 2022-09-27. Review status: criteria provided, single submitter. Criteria: Ambry Variant Classification Scheme 2023. Collection method: clinical testing. Allele origin: germline.

Fulgent Genetics
Classification: Uncertain significance for Muscular dystrophy-dystroglycanopathy (congenital with brain and eye anomalies), type A1; Autosomal recessive limb-girdle muscular dystrophy type 2K; Muscular dystrophy-dystroglycanopathy (congenital with impaired intellectual development), type B, 1. Last evaluated: 2018-10-31. Review status: criteria provided, single submitter. Criteria: ACMG Guidelines, 2015. Collection method: clinical testing. Allele origin: unknown.

Genetic Services Laboratory, University of Chicago
Classification: Uncertain significance. Last evaluated: 2014-07-08. Review status: criteria provided, single submitter. Criteria: ACMG Guidelines, 2015. Collection method: clinical testing. Allele origin: germline.